The following is an entry in ClinVar:

NM_014284.3(NCDN):c.1539C>T (p.Ser513=)

Gene: NCDN (neurochondrin; plus strand). Cytogenetic location: 1p34.3.
Variant type: single nucleotide variant.
Coding change: c.1539C>T on transcript NM_014284.3 (MANE Select); coding-DNA position 1539, C replaced by T.
Protein change: p.Ser513=; no amino-acid change (serine 513 retained).
Molecular consequence: synonymous variant.
Genome position (GRCh38, 1-based): chr1:35,563,355, C>T. VCF-style: chr1-35563355-C-T. GRCh37 (hg19) VCF-style: chr1-36028956-C-T.
Other names: c.1539C>T, p.Ser513= (NM_001014839.2); c.1488C>T, p.Ser496= (NM_001014841.2).
Identifiers: ClinVar variation 4981643 (VCV004981643.1).

ClinVar aggregate classification (germline): Likely benign (1 of 4 stars; one submission).

Conditions:
NCDN-related disorder. Also called: NCDN-related condition.

Submission:

PreventionGenetics, part of Exact Sciences
Classification: Likely benign for NCDN-related condition. Last evaluated: 2026-02-27. Review status: criteria provided, single submitter. Criteria: ACMG Guidelines, 2015. Collection method: clinical testing. Allele origin: germline.
Comment: This variant is classified as likely benign based on ACMG/AMP sequence variant interpretation guidelines (Richards et al. 2015 PMID: 25741868, with internal and published modifications).